The following is an entry in ClinVar:

ClinVar aggregate classification (germline): Uncertain significance (1 of 4 stars; one submission).

Conditions:
Dystonic disorder. Also called: Dystonia. Identifiers: MedGen C0013421, MONDO:0003441, HP:0001332.

Allele frequency attached by ClinVar (database versions not stated): gnomAD exomes below 0.00001; TOPMed below 0.00001.
gnomAD v4.1: 3 of 1,614,004 alleles (0.00019%); highest among the groups gnomAD compares: African/African-American, 0.0013%; no homozygotes.

Submission:

Labcorp Genetics (formerly Invitae), Labcorp
Classification: Uncertain significance for Dystonic disorder. Last evaluated: 2025-07-09. Review status: criteria provided, single submitter. Criteria: Invitae Variant Classification Sherloc (09022015). Collection method: clinical testing. Allele origin: germline.
Comment: This sequence change replaces alanine, which is neutral and non-polar, with threonine, which is neutral and polar, at codon 353 of the GNAL protein (p.Ala353Thr). This variant is not present in population databases (gnomAD no frequency). This missense change has been observed in individual(s) with cervical dystonia and/or dystonia (PMID: 24535567; internal data). ClinVar contains an entry for this variant (Variation ID: 2736693). Invitae Evidence Modeling of protein sequence and biophysical properties (such as structural, functional, and spatial information, amino acid conservation, physicochemical variation, residue mobility, and thermodynamic stability) indicates that this missense variant is expected to disrupt GNAL protein function with a positive predictive value of 80%. Experimental studies have shown that this missense change affects GNAL function (PMID: 24535567). In summary, the available evidence is currently insufficient to determine the role of this variant in disease. Therefore, it has been classified as a Variant of Uncertain Significance.

Literature cited by the submitters: PubMed 24535567.

NM_182978.4(GNAL):c.1288G>A (p.Ala430Thr)

Gene: GNAL (G protein subunit alpha L; plus strand). Cytogenetic location: 18p11.21.
Variant type: single nucleotide variant.
Coding change: c.1288G>A on transcript NM_182978.4 (MANE Select); coding-DNA position 1288, G replaced by A.
Protein change: p.Ala430Thr; replaces alanine 430 with threonine.
Molecular consequence: missense variant.
Genome position (GRCh38, 1-based): chr18:11,881,046, G>A. VCF-style: chr18-11881046-G-A. GRCh37 (hg19) VCF-style: chr18-11881045-G-A.
Other names: c.1057G>A, p.Ala353Thr (NM_001142339.3, NM_001261443.2, NM_001369387.1); c.436G>A, p.Ala146Thr (NM_001261444.2); short protein forms A353T, A430T, A146T.
Identifiers: ClinVar variation 2736693 (VCV002736693.3), dbSNP rs1323870276, ClinGen allele CA401928263.
Genomic context (GRCh38, chr18:11,881,046, plus strand): 5'-CAGAGGATCAGCACGGCCACCGGTGACGGCAAACATTACTGCTACCCGCACTTCACCTGC[G>A]CCGTGGACACAGAGAACATCCGCAGGGTGTTCAACGACTGCCGCGACATCATCCAGCGGA-3'
Protein context (NP_892023.1, residues 420-440): KHYCYPHFTC[Ala430Thr]VDTENIRRVF